The following is an entry in ClinVar:

ClinVar aggregate classification (germline): Uncertain significance (1 of 4 stars; one submission).

Submission:

Ambry Genetics
Classification: Uncertain significance. Last evaluated: 2024-10-24. Review status: criteria provided, single submitter. Criteria: Ambry Variant Classification Scheme 2023. Collection method: clinical testing. Allele origin: germline.
Comment: The p.N1284D variant (also known as c.3850A>G), located in coding exon 16 of the POLQ gene, results from an A to G substitution at nucleotide position 3850. The asparagine at codon 1284 is replaced by aspartic acid, an amino acid with highly similar properties. This amino acid position is conserved. In addition, this alteration is predicted to be tolerated by in silico analysis. Since supporting evidence is limited at this time, the clinical significance of this alteration remains unclear.

NM_199420.4(POLQ):c.3850A>G (p.Asn1284Asp)

Gene: POLQ (DNA polymerase theta; minus strand). Cytogenetic location: 3q13.33.
Variant type: single nucleotide variant.
Coding change: c.3850A>G on transcript NM_199420.4 (MANE Select); coding-DNA position 3850, A replaced by G.
Protein change: p.Asn1284Asp; replaces asparagine 1284 with aspartic acid.
Molecular consequence: missense variant.
Genome position (GRCh38, 1-based): chr3:121,489,081, T>C on the plus strand (A>G on the coding strand, the complement: POLQ is on the minus strand). VCF-style: chr3-121489081-T-C. GRCh37 (hg19) VCF-style: chr3-121207928-T-C.
Other names: short protein forms N1284D.
Identifiers: ClinVar variation 1735521 (VCV001735521.3), dbSNP rs937395701, ClinGen allele CA81836073.
Genomic context (GRCh38, chr3:121,489,081, plus strand): 5'-TAGTTTTGTTTGTTGTATAAGTACCTGTTTTTTCTTGTAGTCTAGAAATATTTAGAAAAT[T>C]CTCATGCTGGCCTTCTGATTTGCTAAATGCTCCAGCTGATGGAAGTACTTCACTGGGTAT-3'
Protein context (NP_955452.3, residues 1274-1294): AFSKSEGQHE[Asn1284Asp]FLNISRLQEK